The following is an entry in ClinVar:

ClinVar aggregate classification (germline): Uncertain significance (1 of 4 stars; one submission).

gnomAD v4.1: 3 of 1,614,086 alleles (0.00019%); highest among the groups gnomAD compares: Non-Finnish European, 0.00025%; no homozygotes.

Submission:

Labcorp Genetics (formerly Invitae), Labcorp
Classification: Uncertain significance. Last evaluated: 2023-08-06. Review status: criteria provided, single submitter. Criteria: Invitae Variant Classification Sherloc (09022015). Collection method: clinical testing. Allele origin: germline.
Comment: This sequence change replaces phenylalanine, which is neutral and non-polar, with leucine, which is neutral and non-polar, at codon 417 of the CLPX protein (p.Phe417Leu). This variant is not present in population databases (gnomAD no frequency). In summary, the available evidence is currently insufficient to determine the role of this variant in disease. Therefore, it has been classified as a Variant of Uncertain Significance. Advanced modeling of protein sequence and biophysical properties (such as structural, functional, and spatial information, amino acid conservation, physicochemical variation, residue mobility, and thermodynamic stability) performed at Invitae indicates that this missense variant is expected to disrupt CLPX protein function. This variant has not been reported in the literature in individuals affected with CLPX-related conditions.

NM_006660.5(CLPX):c.1249T>C (p.Phe417Leu)

Gene: CLPX (caseinolytic mitochondrial matrix peptidase chaperone subunit X; minus strand). Cytogenetic location: 15q22.31.
Variant type: single nucleotide variant.
Coding change: c.1249T>C on transcript NM_006660.5 (MANE Select); coding-DNA position 1249, T replaced by C.
Protein change: p.Phe417Leu; replaces phenylalanine 417 with leucine.
Molecular consequence: missense variant. On other transcripts: non-coding transcript variant (1).
Genome position (GRCh38, 1-based): chr15:65,155,754, A>G on the plus strand (T>C on the coding strand, the complement: CLPX is on the minus strand). VCF-style: chr15-65155754-A-G. GRCh37 (hg19) VCF-style: chr15-65448092-A-G.
Other names: short protein forms F417L.
Identifiers: ClinVar variation 2725348 (VCV002725348.3), dbSNP rs2506484145, ClinGen allele CA392869067.